The following is an entry in ClinVar:

ClinVar aggregate classification (germline): Conflicting classifications of pathogenicity. Review status: criteria provided, conflicting classifications (1 of 4 stars). 5 submissions from 5 submitters: Uncertain significance (1); Likely benign (4). Last evaluated 2024-05-30.

Conditions:
Aortic aneurysm, familial thoracic 4 (AAT4). Also called: AORTIC ANEURYSM/AORTIC DISSECTION AND PATENT DUCTUS ARTERIOSUS. Identifiers: MedGen C1851504, MONDO:0007568, OMIM 132900.
Familial thoracic aortic aneurysm and aortic dissection (TAAD). Also called: Thoracic aortic aneurysms and dissections. Identifiers: Orphanet 91387, MedGen C4707243, MONDO:0019625.

Allele frequency attached by ClinVar (database versions not stated): TOPMed below 0.00001; gnomAD 0.00001 and 0.00002; gnomAD exomes 0.00001; ExAC 0.00002; 1000 Genomes Project 0.00020; 1000 Genomes Project 30x 0.00031.
gnomAD v4.1: 23 of 1,614,010 alleles (0.0014%); highest among the groups gnomAD compares: Admixed American, 0.0067%; no homozygotes.

Submissions (5):

All of Us Research Program, National Institutes of Health
Classification: Likely benign for Familial thoracic aortic aneurysm and aortic dissection. Last evaluated: 2024-05-30. Review status: criteria provided, single submitter. Criteria: ACMG Guidelines, 2015. Collection method: clinical testing. Allele origin: germline. Inheritance: Autosomal dominant inheritance. Observed: 1 variant allele, 1 heterozygote.
Comment: This study involves interpretation of variants in research participants for the purpose of population health screening. Participant phenotype was not available at the time of variant classification. Additional details can be found in publication PMID: 35346344, PMCID: PMC8962531

Labcorp Genetics (formerly Invitae), Labcorp
Classification: Likely benign for Aortic aneurysm, familial thoracic 4. Last evaluated: 2023-06-10. Review status: criteria provided, single submitter. Criteria: Invitae Variant Classification Sherloc (09022015). Collection method: clinical testing. Allele origin: germline.

Ambry Genetics
Classification: Likely benign for Familial thoracic aortic aneurysm and aortic dissection. Last evaluated: 2020-06-10. Review status: criteria provided, single submitter. Criteria: Ambry Variant Classification Scheme 2023. Collection method: clinical testing. Allele origin: germline.

Color Diagnostics, LLC DBA Color Health
Classification: Likely benign for Familial thoracic aortic aneurysm and aortic dissection. Last evaluated: 2018-10-08. Review status: criteria provided, single submitter. Criteria: ACMG Guidelines, 2015. Collection method: clinical testing. Allele origin: germline.

Illumina Laboratory Services, Illumina
Classification: Uncertain significance for Aortic aneurysm, familial thoracic 4. Last evaluated: 2018-01-12. Review status: criteria provided, single submitter. Criteria: ICSL Variant Classification Criteria 13 December 2019. Collection method: clinical testing. Allele origin: germline.

NM_002474.3(MYH11):c.540T>C (p.Ser180=)

Gene: MYH11 (myosin heavy chain 11; minus strand). Cytogenetic location: 16p13.11.
Variant type: single nucleotide variant.
Coding change: c.540T>C on transcript NM_002474.3 (MANE Select); coding-DNA position 540, T replaced by C.
Protein change: p.Ser180=; no amino-acid change (serine 180 retained).
Molecular consequence: synonymous variant.
Genome position (GRCh38, 1-based): chr16:15,786,723, A>G on the plus strand (T>C on the coding strand, the complement: MYH11 is on the minus strand). VCF-style: chr16-15786723-A-G. GRCh37 (hg19) VCF-style: chr16-15880580-A-G.
Other names: c.540T>C, p.Ser180= (NM_001040113.2, NM_001040114.2, NM_022844.3).
Identifiers: ClinVar variation 318176 (VCV000318176.19), dbSNP rs182700462, ClinGen allele CA7922934.
Genomic context (GRCh38, chr16:15,786,723, plus strand): 5'-GGAGGCCACCACGGCCAGGTACTGAATGACCTTCTTGGTGTTTTCGGTTTTCCCGGCTCC[A>G]GACTCGCCTCTGAAAGACACGGGAACATCATCTATGCACACGTTCCATGGTGACCTTTCC-3'
Protein context (NP_002465.1, residues 170-190): EDQSILCTGE[Ser180=]GAGKTENTKK